The following is an entry in ClinVar:

NM_000051.4(ATM):c.1141dup (p.Ser381fs)

Gene: ATM (ATM serine/threonine kinase; plus strand). Cytogenetic location: 11q22.3.
Variant type: Duplication.
Coding change: c.1141dup on transcript NM_000051.4 (MANE Select); coding-DNA position 1141, one base duplicated (A; older notation c.1141dupA).
Protein change: p.Ser381fs; shifts the reading frame from serine 381.
Molecular consequence: frameshift variant.
Genome position (GRCh38, 1-based): chr11:108,249,008, A duplicated. VCF-style (leftmost placement, unchanged base first): chr11-108249007-C-CA. GRCh37 (hg19) VCF-style: chr11-108119734-C-CA.
Other names: c.1141dup, p.Ser381fs (NM_001351834.2); c.1141dupA (NM_000051.3); short protein forms S381fs.
Identifiers: ClinVar variation 1731501 (VCV001731501.3), dbSNP rs2497210070, ClinGen allele CA2580083754.
Genomic context (GRCh38, chr11:108,249,007, plus strand): 5'-TACCAGATCCTTGGAGATTTCTCAATCTTACACTACTACACAAAGAGAATCTAGTGATTA[C>CA]AGTGTCCCTTGCAAAAGGAAGAAAATAGAACTAGGCTGGGAAGTAATAAAAGATCACCTT-3'

ClinVar aggregate classification (germline): Pathogenic/Likely pathogenic. Review status: criteria provided, multiple submitters, no conflicts (2 of 4 stars). 2 submissions from 2 submitters: Pathogenic (1); Likely pathogenic (1). Last evaluated 2022-09-07.

Conditions:
Hereditary cancer-predisposing syndrome. Also called: Neoplastic Syndromes, Hereditary; Tumor predisposition; Hereditary Cancer Syndrome; Hereditary neoplastic syndrome. Identifiers: Orphanet 140162, MedGen C0027672, MeSH D009386, MONDO:0015356.
Familial cancer of breast. Also called: BREAST CANCER, FAMILIAL; Hereditary breast cancer; hereditary breast carcinoma. Identifiers: Orphanet 227535, MedGen C0346153, MONDO:0016419, OMIM 114480. Disease mechanism: loss of function.

Submissions (2):

Baylor Genetics
Classification: Likely pathogenic for Familial cancer of breast. Last evaluated: 2022-09-07. Review status: criteria provided, single submitter. Criteria: ACMG Guidelines, 2015. Collection method: clinical testing. Allele origin: unknown.

Ambry Genetics
Classification: Pathogenic for Hereditary cancer-predisposing syndrome. Last evaluated: 2022-09-02. Review status: criteria provided, single submitter. Criteria: Ambry Variant Classification Scheme 2023. Collection method: clinical testing. Allele origin: germline.
Comment: The c.1141dupA pathogenic mutation, located in coding exon 8 of the ATM gene, results from a duplication of A at nucleotide position 1141, causing a translational frameshift with a predicted alternate stop codon (p.S381Kfs*26). This variant is considered to be rare based on population cohorts in the Genome Aggregation Database (gnomAD). This alteration is expected to result in loss of function by premature protein truncation or nonsense-mediated mRNA decay. As such, this alteration is interpreted as a disease-causing mutation.